The following is an entry in ClinVar:

ClinVar aggregate classification (germline): Pathogenic (1 of 4 stars; one submission).

Submission:

Labcorp Genetics (formerly Invitae), Labcorp
Classification: Pathogenic. Last evaluated: 2023-11-22. Review status: criteria provided, single submitter. Criteria: Invitae Variant Classification Sherloc (09022015). Collection method: clinical testing. Allele origin: unknown.
Comment: This variant is a gross deletion of the genomic region encompassing exon(s) 1-3 of the GNPTG gene, which includes the initiator codon. This deletion extends beyond the assayed region for this gene and therefore may encompass additional genes. It is expected to result in an absent or disrupted protein product. Loss-of-function variants in GNPTG are known to be pathogenic (PMID: 19370764, 20301784). This variant has not been reported in the literature in individuals affected with GNPTG-related conditions. For these reasons, this variant has been classified as Pathogenic.

Literature cited by the submitters: PubMed 19370764; PubMed 20301784.

NC_000016.9:g.(?_1401967)_(1402327_?)del

Gene: GNPTG (N-acetylglucosamine-1-phosphate transferase subunit gamma; plus strand). Cytogenetic location: 16p13.3.
Variant type: Deletion.
Identifiers: ClinVar variation 3243664 (VCV003243664.1).